The following is an entry in ClinVar:

NM_001040142.2(SCN2A):c.5986A>G (p.Lys1996Glu)

Gene: SCN2A (sodium voltage-gated channel alpha subunit 2; plus strand). Cytogenetic location: 2q24.3.
Variant type: single nucleotide variant.
Coding change: c.5986A>G on transcript NM_001040142.2 (MANE Select); coding-DNA position 5986, A replaced by G.
Protein change: p.Lys1996Glu; replaces lysine 1996 with glutamic acid.
Molecular consequence: missense variant.
Genome position (GRCh38, 1-based): chr2:165,389,792, A>G. VCF-style: chr2-165389792-A-G. GRCh37 (hg19) VCF-style: chr2-166246302-A-G.
Other names: c.5986A>G, p.Lys1996Glu (NM_001040143.2, NM_001371246.1, NM_001371247.1 and 1 more transcripts); short protein forms K1996E.
Identifiers: ClinVar variation 3751037 (VCV003751037.2).

ClinVar aggregate classification (germline): Uncertain significance (1 of 4 stars; one submission).

Conditions:
Seizures, benign familial infantile, 3 (BFIS3). Also called: CONVULSIONS, BENIGN FAMILIAL INFANTILE, 3; Familial neonatal seizures. Identifiers: Orphanet 140927, Orphanet 306, MedGen C1843140, MONDO:0011904, OMIM 607745.
Developmental and epileptic encephalopathy, 11 (DEE11). Also called: Early infantile epileptic encephalopathy 11. Identifiers: Orphanet 1934, MedGen C3150987, MONDO:0013388, OMIM 613721.

Submission:

Labcorp Genetics (formerly Invitae), Labcorp
Classification: Uncertain significance for Seizures, benign familial infantile, 3; Developmental and epileptic encephalopathy, 11. Last evaluated: 2024-06-04. Review status: criteria provided, single submitter. Criteria: Invitae Variant Classification Sherloc (09022015). Collection method: clinical testing. Allele origin: germline.
Comment: This sequence change replaces lysine, which is basic and polar, with glutamic acid, which is acidic and polar, at codon 1996 of the SCN2A protein (p.Lys1996Glu). This variant is not present in population databases (gnomAD no frequency). This variant has not been reported in the literature in individuals affected with SCN2A-related conditions. Advanced modeling of protein sequence and biophysical properties (such as structural, functional, and spatial information, amino acid conservation, physicochemical variation, residue mobility, and thermodynamic stability) has been performed at Invitae for this missense variant, however the output from this modeling did not meet the statistical confidence thresholds required to predict the impact of this variant on SCN2A protein function. In summary, the available evidence is currently insufficient to determine the role of this variant in disease. Therefore, it has been classified as a Variant of Uncertain Significance.